The following is an entry in ClinVar:

NM_001191061.2(SLC25A22):c.506C>A (p.Thr169Lys)

Gene: SLC25A22 (solute carrier family 25 member 22; minus strand). Cytogenetic location: 11p15.5.
Variant type: single nucleotide variant.
Coding change: c.506C>A on transcript NM_001191061.2 (MANE Select); coding-DNA position 506, C replaced by A.
Protein change: p.Thr169Lys; replaces threonine 169 with lysine.
Molecular consequence: missense variant.
Genome position (GRCh38, 1-based): chr11:792,634, G>T on the plus strand (C>A on the coding strand, the complement: SLC25A22 is on the minus strand). VCF-style: chr11-792634-G-T. GRCh37 (hg19) VCF-style: chr11-792634-G-T.
Other names: c.506C>A, p.Thr169Lys (NM_001191060.2, NM_024698.6); short protein forms T169K.
Identifiers: ClinVar variation 1474980 (VCV001474980.7), dbSNP rs533726078, ClinGen allele CA378969799.

ClinVar aggregate classification (germline): Uncertain significance (1 of 4 stars; one submission).

Conditions:
Early-infantile DEE. Also called: Early infantile epileptic encephalopathy with suppression bursts; Early infantile epileptic encephalopathy; Ohtahara syndrome. Identifiers: Orphanet 1934, MedGen C0393706, MONDO:0800491.

Submission:

Labcorp Genetics (formerly Invitae), Labcorp
Classification: Uncertain significance for Early-infantile DEE. Last evaluated: 2022-02-17. Review status: criteria provided, single submitter. Criteria: Invitae Variant Classification Sherloc (09022015). Collection method: clinical testing. Allele origin: germline.
Comment: Algorithms developed to predict the effect of sequence changes on RNA splicing suggest that this variant may create or strengthen a splice site. Algorithms developed to predict the effect of missense changes on protein structure and function are either unavailable or do not agree on the potential impact of this missense change (SIFT: "Deleterious"; PolyPhen-2: "Possibly Damaging"; Align-GVGD: "Class C0"). This variant has not been reported in the literature in individuals affected with SLC25A22-related conditions. This variant is not present in population databases (gnomAD no frequency). This sequence change replaces threonine, which is neutral and polar, with lysine, which is basic and polar, at codon 169 of the SLC25A22 protein (p.Thr169Lys). In summary, the available evidence is currently insufficient to determine the role of this variant in disease. Therefore, it has been classified as a Variant of Uncertain Significance.